The following is an entry in ClinVar:

ClinVar aggregate classification (germline): Conflicting classifications of pathogenicity. Review status: criteria provided, conflicting classifications (1 of 4 stars). 2 submissions from 2 submitters: Uncertain significance (1); Likely benign (1). Last evaluated 2026-04-21.

Conditions:
HSD3B7-related disorder. Also called: HSD3B7-related condition.
Inborn genetic diseases. Identifiers: MedGen C0950123, MeSH D030342.

Allele frequency attached by ClinVar (database versions not stated): TOPMed 0.00002; gnomAD exomes 0.00003; ExAC 0.00004; gnomAD 0.00006; ESP Exome Variant Server 0.00008; 1000 Genomes Project 30x 0.00016; 1000 Genomes Project 0.00020.
gnomAD v4.1: 47 of 1,606,702 alleles (0.0029%); highest among the groups gnomAD compares: African/African-American, 0.008%; no homozygotes.

Submissions (2):

PreventionGenetics, part of Exact Sciences
Classification: Uncertain significance for HSD3B7-related condition. Last evaluated: 2026-04-21. Review status: criteria provided, single submitter. Criteria: ACMG Guidelines, 2015. Collection method: clinical testing. Allele origin: germline.
Comment: The HSD3B7 c.976G>A variant is predicted to result in the amino acid substitution p.Val326Met. To our knowledge, this variant has not been reported in the literature. This variant is reported in 0.012% of alleles in individuals of African descent in gnomAD. At this time, the clinical significance of this variant is uncertain due to the absence of conclusive functional and genetic evidence.

Ambry Genetics
Classification: Likely benign for Inborn genetic diseases. Last evaluated: 2023-07-12. Review status: criteria provided, single submitter. Criteria: Ambry Variant Classification Scheme 2023. Collection method: clinical testing. Allele origin: germline.

NM_025193.4(HSD3B7):c.976G>A (p.Val326Met)

Gene: HSD3B7 (hydroxy-delta-5-steroid dehydrogenase, 3 beta- and steroid delta-isomerase 7; plus strand). Cytogenetic location: 16p11.2.
Variant type: single nucleotide variant.
Coding change: c.976G>A on transcript NM_025193.4 (MANE Select); coding-DNA position 976, G replaced by A.
Protein change: p.Val326Met; replaces valine 326 with methionine.
Molecular consequence: missense variant. On other transcripts: 3 prime UTR variant (2).
Genome position (GRCh38, 1-based): chr16:30,988,049, G>A. VCF-style: chr16-30988049-G-A. GRCh37 (hg19) VCF-style: chr16-30999370-G-A.
Other names: c.*222G>A (NM_001142777.2, NM_001142778.2); short protein forms V326M.
Identifiers: ClinVar variation 2610992 (VCV002610992.3), dbSNP rs139617173, ClinGen allele CA8018151.